The following is an entry in ClinVar:

ClinVar aggregate classification (germline): Uncertain significance (1 of 4 stars; one submission).

Conditions:
Dilated cardiomyopathy 1KK (CMD1KK). Identifiers: Orphanet 154, Orphanet 75249, MedGen C3714995, MONDO:0014100, OMIM 615248.

Allele frequency attached by ClinVar (database versions not stated): gnomAD 0.00001; ExAC 0.00004.

Submission:

Labcorp Genetics (formerly Invitae), Labcorp
Classification: Uncertain significance for Dilated cardiomyopathy 1KK. Last evaluated: 2022-04-21. Review status: criteria provided, single submitter. Criteria: Invitae Variant Classification Sherloc (09022015). Collection method: clinical testing. Allele origin: germline.
Comment: Algorithms developed to predict the effect of missense changes on protein structure and function are either unavailable or do not agree on the potential impact of this missense change (SIFT: "Tolerated"; PolyPhen-2: "Possibly Damaging"; Align-GVGD: "Class C0"). In summary, the available evidence is currently insufficient to determine the role of this variant in disease. Therefore, it has been classified as a Variant of Uncertain Significance. This variant has not been reported in the literature in individuals affected with MYPN-related conditions. This variant is present in population databases (rs752873998, gnomAD 0.02%). This sequence change replaces methionine, which is neutral and non-polar, with threonine, which is neutral and polar, at codon 1082 of the MYPN protein (p.Met1082Thr).

NM_032578.4(MYPN):c.3245T>C (p.Met1082Thr)

Gene: MYPN (myopalladin; plus strand). Cytogenetic location: 10q21.3.
Variant type: single nucleotide variant.
Coding change: c.3245T>C on transcript NM_032578.4 (MANE Select); coding-DNA position 3245, T replaced by C.
Protein change: p.Met1082Thr; replaces methionine 1082 with threonine.
Molecular consequence: missense variant. On other transcripts: non-coding transcript variant (2).
Genome position (GRCh38, 1-based): chr10:68,197,438, T>C. VCF-style: chr10-68197438-T-C. GRCh37 (hg19) VCF-style: chr10-69957195-T-C.
Other names: c.3245T>C, p.Met1082Thr (NM_001256267.2); c.2363T>C, p.Met788Thr (NM_001256268.2); short protein forms M788T, M1082T.
Identifiers: ClinVar variation 1967894 (VCV001967894.5), dbSNP rs752873998, ClinGen allele CA5522991.